The following is an entry in ClinVar:

NM_001040108.2(MLH3):c.4076C>T (p.Ser1359Phe)

Gene: MLH3 (mutL homolog 3; minus strand). Cytogenetic location: 14q24.3.
Variant type: single nucleotide variant.
Coding change: c.4076C>T on transcript NM_001040108.2 (MANE Select); coding-DNA position 4076, C replaced by T.
Protein change: p.Ser1359Phe; replaces serine 1359 with phenylalanine.
Molecular consequence: missense variant.
Genome position (GRCh38, 1-based): chr14:75,022,828, G>A on the plus strand (C>T on the coding strand, the complement: MLH3 is on the minus strand). VCF-style: chr14-75022828-G-A. GRCh37 (hg19) VCF-style: chr14-75489531-G-A.
Other names: c.4004C>T, p.Ser1335Phe (NM_014381.3); short protein forms S1335F, S1359F.
Identifiers: ClinVar variation 5024610 (VCV005024610.1).

ClinVar aggregate classification (germline): Uncertain significance (1 of 4 stars; one submission).

Submission:

Ambry Genetics
Classification: Uncertain significance. Last evaluated: 2026-07-29. Review status: criteria provided, single submitter. Criteria: Ambry Variant Classification Scheme 2023. Collection method: clinical testing. Allele origin: germline.
Comment: The p.S1359F variant (also known as c.4076C>T), located in coding exon 10 of the MLH3 gene, results from a C to T substitution at nucleotide position 4076. The serine at codon 1359 is replaced by phenylalanine, an amino acid with highly dissimilar properties. This amino acid position is conserved. In addition, this alteration is predicted to be deleterious by in silico analysis. Based on the available evidence, the clinical significance of this variant remains unclear.